The following is an entry in ClinVar:

NM_002519.3(NPAT):c.441T>A (p.Phe147Leu)

Gene: NPAT (nuclear protein, coactivator of histone transcription; minus strand). Cytogenetic location: 11q22.3.
Variant type: single nucleotide variant.
Coding change: c.441T>A on transcript NM_002519.3 (MANE Select); coding-DNA position 441, T replaced by A.
Protein change: p.Phe147Leu; replaces phenylalanine 147 with leucine.
Molecular consequence: missense variant.
Genome position (GRCh38, 1-based): chr11:108,189,221, A>T on the plus strand (T>A on the coding strand, the complement: NPAT is on the minus strand). VCF-style: chr11-108189221-A-T. GRCh37 (hg19) VCF-style: chr11-108059948-A-T.
Other names: c.441T>A, p.Phe147Leu (NM_001321307.1); short protein forms F147L.
Identifiers: ClinVar variation 1740474 (VCV001740474.5), dbSNP rs2496745661, ClinGen allele CA382524761.

ClinVar aggregate classification (germline): Uncertain significance. Review status: criteria provided, multiple submitters, no conflicts (2 of 4 stars). 2 submissions from 2 submitters: Uncertain significance (2). Last evaluated 2024-10-26.

Submissions (2):

Labcorp Genetics (formerly Invitae), Labcorp
Classification: Uncertain significance. Last evaluated: 2024-10-26. Review status: criteria provided, single submitter. Criteria: Invitae Variant Classification Sherloc (09022015). Collection method: clinical testing. Allele origin: germline.
Comment: This sequence change replaces phenylalanine, which is neutral and non-polar, with leucine, which is neutral and non-polar, at codon 147 of the NPAT protein (p.Phe147Leu). This variant is not present in population databases (gnomAD no frequency). This variant has not been reported in the literature in individuals affected with NPAT-related conditions. ClinVar contains an entry for this variant (Variation ID: 1740474). An algorithm developed to predict the effect of missense changes on protein structure and function (PolyPhen-2) suggests that this variant is likely to be tolerated. Algorithms developed to predict the effect of sequence changes on RNA splicing suggest that this variant may create or strengthen a splice site. In summary, the available evidence is currently insufficient to determine the role of this variant in disease. Therefore, it has been classified as a Variant of Uncertain Significance.

Ambry Genetics
Classification: Uncertain significance. Last evaluated: 2022-06-04. Review status: criteria provided, single submitter. Criteria: Ambry Variant Classification Scheme 2023. Collection method: clinical testing. Allele origin: germline.
Comment: The p.F147L variant (also known as c.441T>A), located in coding exon 6 of the NPAT gene, results from a T to A substitution at nucleotide position 441. The phenylalanine at codon 147 is replaced by leucine, an amino acid with highly similar properties. This amino acid position is conserved. In addition, this alteration is predicted to be tolerated by in silico analysis. Since supporting evidence is limited at this time, the clinical significance of this alteration remains unclear.